The following is an entry in ClinVar:

ClinVar aggregate classification (germline): Uncertain significance. Review status: criteria provided, multiple submitters, no conflicts (2 of 4 stars). 2 submissions from 2 submitters: Uncertain significance (2). Last evaluated 2025-09-22.

Conditions:
Inborn genetic diseases. Identifiers: MedGen C0950123, MeSH D030342.

Allele frequency attached by ClinVar (database versions not stated): TOPMed 0.00002; gnomAD 0.00003.
gnomAD v4.1: 42 of 1,614,100 alleles (0.0026%); highest among the groups gnomAD compares: Non-Finnish European, 0.003%; no homozygotes.

Submissions (2):

Labcorp Genetics (formerly Invitae), Labcorp
Classification: Uncertain significance. Last evaluated: 2025-09-22. Review status: criteria provided, single submitter. Criteria: Invitae Variant Classification Sherloc (09022015). Collection method: clinical testing. Allele origin: germline.
Comment: This sequence change replaces arginine, which is basic and polar, with histidine, which is basic and polar, at codon 181 of the PLOD3 protein (p.Arg181His). This variant is present in population databases (rs764596991, gnomAD 0.006%). This variant has not been reported in the literature in individuals affected with PLOD3-related conditions. ClinVar contains an entry for this variant (Variation ID: 2457327). An algorithm developed to predict the effect of missense changes on protein structure and function outputs the following: PolyPhen-2: "Benign". The histidine amino acid residue is found in multiple mammalian species, which suggests that this missense change does not adversely affect protein function. In summary, the available evidence is currently insufficient to determine the role of this variant in disease. Therefore, it has been classified as a Variant of Uncertain Significance.

Ambry Genetics
Classification: Uncertain significance for Inborn genetic diseases. Last evaluated: 2023-01-24. Review status: criteria provided, single submitter. Criteria: Ambry Variant Classification Scheme 2023. Collection method: clinical testing. Allele origin: germline.

NM_001084.5(PLOD3):c.542G>A (p.Arg181His)

Gene: PLOD3 (procollagen-lysine,2-oxoglutarate 5-dioxygenase 3; minus strand). Cytogenetic location: 7q22.1.
Variant type: single nucleotide variant.
Coding change: c.542G>A on transcript NM_001084.5 (MANE Select); coding-DNA position 542, G replaced by A.
Protein change: p.Arg181His; replaces arginine 181 with histidine.
Molecular consequence: missense variant.
Genome position (GRCh38, 1-based): chr7:101,215,981, C>T on the plus strand (G>A on the coding strand, the complement: PLOD3 is on the minus strand). VCF-style: chr7-101215981-C-T. GRCh37 (hg19) VCF-style: chr7-100859262-C-T.
Other names: short protein forms R181H.
Identifiers: ClinVar variation 2457327 (VCV002457327.3), dbSNP rs764596991, ClinGen allele CA4408149.